The following is an entry in ClinVar:

ClinVar aggregate classification (germline): Uncertain significance. Review status: reviewed by expert panel (3 of 4 stars). 2 submissions from 2 submitters: Uncertain significance (1). 1 of the submissions does not count toward it. Last evaluated 2025-06-10.

Conditions:
Anauxetic dysplasia. Identifiers: Orphanet 93347, MedGen C1846796, MONDO:0011773.
Metaphyseal chondrodysplasia, McKusick type (CHH). Also called: Cartilage-Hair Hypoplasia (CHH); Cartilage-hair hypoplasia. Identifiers: Orphanet 175, MedGen C0220748, MONDO:0009595, OMIM 250250.

Submissions (2):

ClinGen Severe Combined Immunodeficiency Variant Curation Expert Panel, ClinGen
Classification: Uncertain significance for Metaphyseal chondrodysplasia, McKusick type. Last evaluated: 2025-06-10. Review status: reviewed by expert panel. Criteria: ClinGen SCID ACMG Specifications RMRP V1.0.0. Collection method: curation. Allele origin: germline. Inheritance: Autosomal recessive inheritance.
Comment: The variant NC_000009.12:g.35657675T>C is absent in population databases such as gnomAD. The variant has not been described in patients with cartilage-hair hypoplasia. In summary, this variant is classified as Uncertain significance - insufficient evidence for Autosomal recessive Cartilage Hair Hypoplasia based on the ACMG/AMP criteria applied, as specified by the ClinGen SCID VCEP: PM2_Supporting (SCID VCEP specifications version 1).

Labcorp Genetics (formerly Invitae), Labcorp
Classification: Uncertain significance for Anauxetic dysplasia. Last evaluated: 2022-11-08. Review status: criteria provided, single submitter. Criteria: Invitae Variant Classification Sherloc (09022015). Collection method: clinical testing. Allele origin: germline. Not counted in ClinVar's aggregate classification.
Comment: This variant occurs in the RMRP gene, which encodes an RNA molecule that does not result in a protein product. This variant is not present in population databases (gnomAD no frequency). This variant has not been reported in the literature in individuals affected with RMRP-related conditions. Experimental studies and prediction algorithms are not available or were not evaluated, and the functional significance of this variant is currently unknown. In summary, the available evidence is currently insufficient to determine the role of this variant in disease. Therefore, it has been classified as a Variant of Uncertain Significance.

NC_000009.12:g.35657675T>C

Gene: RMRP (RNA component of mitochondrial RNA processing endoribonuclease; minus strand). Cytogenetic location: 9p13.3.
Variant type: single nucleotide variant.
Genome position: GRCh38 VCF-style: chr9-35657675-T-C. GRCh37 (hg19) VCF-style: chr9-35657672-T-C.
Identifiers: ClinVar variation 1942331 (VCV001942331.6), dbSNP rs2490598778, ClinGen allele CA2580080423.